The following is an entry in ClinVar:

ClinVar aggregate classification (germline): Benign/Likely benign. Review status: criteria provided, multiple submitters, no conflicts (2 of 4 stars). 5 submissions from 5 submitters: Benign (4); Likely benign (1). Last evaluated 2026-01-24.

Conditions:
Autoinflammatory syndrome. Identifiers: Orphanet 93665, MedGen C3890737, MONDO:0019751.
Generalized pustular psoriasis. Identifiers: Orphanet 247353, MedGen C0343055, MONDO:0100491.

Allele frequency attached by ClinVar (database versions not stated): 1000 Genomes Project 0.00539; 1000 Genomes Project 30x 0.00625; gnomAD 0.00682; ESP Exome Variant Server 0.00730; TOPMed 0.00778.
gnomAD v4.1: 1,942 of 1,613,826 alleles (0.12%); highest among the groups gnomAD compares: African/African-American, 2.3%; 20 homozygotes.

Submissions (5):

Labcorp Genetics (formerly Invitae), Labcorp
Classification: Benign for Generalized pustular psoriasis. Last evaluated: 2026-01-24. Review status: criteria provided, single submitter. Criteria: Invitae Variant Classification Sherloc (09022015). Collection method: clinical testing. Allele origin: germline.

Women's Health and Genetics/Laboratory Corporation of America, LabCorp
Classification: Benign. Last evaluated: 2026-01-22. Review status: criteria provided, single submitter. Criteria: LabCorp Variant Classification Summary - May 2015. Collection method: clinical testing. Allele origin: germline.

Mayo Clinic Laboratories, Mayo Clinic
Classification: Benign. Last evaluated: 2025-07-23. Review status: criteria provided, single submitter. Criteria: ACMG Guidelines, 2015. Collection method: clinical testing. Allele origin: germline. Observed: 3 variant alleles.
Comment: BS1, BS2, BP4, BP7

Genome Diagnostics Laboratory, The Hospital for Sick Children
Classification: Likely benign for Autoinflammatory syndrome. Last evaluated: 2019-11-01. Review status: criteria provided, single submitter. Criteria: ACMG Guidelines, 2015. Collection method: clinical testing. Allele origin: germline. Affected: yes.

Breakthrough Genomics
Classification: Benign. Review status: criteria provided, single submitter. Criteria: ACMG Guidelines, 2015. Collection method: not provided. Allele origin: germline. Inheritance: Autosomal recessive inheritance. Affected: yes.

NM_012275.3(IL36RN):c.369G>C (p.Thr123=)

Gene: IL36RN (interleukin 36 receptor antagonist; plus strand). Cytogenetic location: 2q14.1.
Variant type: single nucleotide variant.
Coding change: c.369G>C on transcript NM_012275.3 (MANE Select); coding-DNA position 369, G replaced by C.
Protein change: p.Thr123=; no amino-acid change (threonine 123 retained).
Molecular consequence: synonymous variant.
Genome position (GRCh38, 1-based): chr2:113,062,578, G>C. VCF-style: chr2-113062578-G-C. GRCh37 (hg19) VCF-style: chr2-113820155-G-C.
Other names: p.Thr123=; c.369G>C, p.Thr123= (NM_173170.1).
Identifiers: ClinVar variation 529888 (VCV000529888.18), dbSNP rs28938778, ClinGen allele CA1838452.